The following is an entry in ClinVar:

ClinVar aggregate classification (germline): Uncertain significance. Review status: criteria provided, multiple submitters, no conflicts (2 of 4 stars). 2 submissions from 2 submitters: Uncertain significance (2). Last evaluated 2023-05-18.

Conditions:
Muscular dystrophy-dystroglycanopathy (congenital with brain and eye anomalies), type a, 12 (MDDGA12). Also called: WALKER-WARBURG SYNDROME OR MUSCLE-EYE-BRAIN DISEASE, POMK-RELATED. Identifiers: Orphanet 899, MedGen C3808964, MONDO:0014101, OMIM 615249.
Limb-girdle muscular dystrophy due to POMK deficiency. Also called: MUSCULAR DYSTROPHY-DYSTROGLYCANOPATHY, LIMB-GIRDLE, POMK-RELATED; Muscular dystrophy-dystroglycanopathy (limb-girdle), type c, 12. Identifiers: Orphanet 445110, MedGen C4015184, MONDO:0014489, OMIM 616094.
Inborn genetic diseases. Identifiers: MedGen C0950123, MeSH D030342.

Allele frequency attached by ClinVar (database versions not stated): gnomAD 0.00001; gnomAD exomes 0.00001 and 0.00006; TOPMed 0.00001; ExAC 0.00007.
gnomAD v4.1: 15 of 1,614,070 alleles (0.00093%); highest among the groups gnomAD compares: East Asian, 0.031%; no homozygotes.

Submissions (2):

Ambry Genetics
Classification: Uncertain significance for Inborn genetic diseases. Last evaluated: 2023-05-18. Review status: criteria provided, single submitter. Criteria: Ambry Variant Classification Scheme 2023. Collection method: clinical testing. Allele origin: germline.

Labcorp Genetics (formerly Invitae), Labcorp
Classification: Uncertain significance for Muscular dystrophy-dystroglycanopathy (congenital with brain and eye anomalies), type a, 12; Limb-girdle muscular dystrophy due to POMK deficiency. Last evaluated: 2019-11-27. Review status: criteria provided, single submitter. Criteria: Invitae Variant Classification Sherloc (09022015). Collection method: clinical testing. Allele origin: germline.
Comment: This sequence change replaces glutamic acid with glycine at codon 278 of the POMK protein (p.Glu278Gly). The glutamic acid residue is highly conserved and there is a moderate physicochemical difference between glutamic acid and glycine. This variant is present in population databases (rs757600130, ExAC 0.1%). This variant has not been reported in the literature in individuals with POMK-related conditions. Algorithms developed to predict the effect of missense changes on protein structure and function (SIFT, PolyPhen-2, Align-GVGD) all suggest that this variant is likely to be disruptive, but these predictions have not been confirmed by published functional studies and their clinical significance is uncertain. In summary, the available evidence is currently insufficient to determine the role of this variant in disease. Therefore, it has been classified as a Variant of Uncertain Significance.

NM_032237.5(POMK):c.833A>G (p.Glu278Gly)

Gene: POMK (protein O-mannose kinase; plus strand). Cytogenetic location: 8p11.21.
Variant type: single nucleotide variant.
Coding change: c.833A>G on transcript NM_032237.5 (MANE Select); coding-DNA position 833, A replaced by G.
Protein change: p.Glu278Gly; replaces glutamic acid 278 with glycine.
Molecular consequence: missense variant.
Genome position (GRCh38, 1-based): chr8:43,122,657, A>G. VCF-style: chr8-43122657-A-G. GRCh37 (hg19) VCF-style: chr8-42977800-A-G.
Other names: c.833A>G, p.Glu278Gly (NM_001277971.2); c.833A>G (NM_032237.3); short protein forms E278G.
Identifiers: ClinVar variation 860305 (VCV000860305.4), dbSNP rs757600130, ClinGen allele CA4736361.